The following is an entry in ClinVar:

NM_000081.4(LYST):c.1766A>G (p.Lys589Arg)

Gene: LYST (lysosomal trafficking regulator; minus strand). Cytogenetic location: 1q42.3.
Variant type: single nucleotide variant.
Coding change: c.1766A>G on transcript NM_000081.4 (MANE Select); coding-DNA position 1766, A replaced by G.
Protein change: p.Lys589Arg; replaces lysine 589 with arginine.
Molecular consequence: missense variant.
Genome position (GRCh38, 1-based): chr1:235,809,052, T>C on the plus strand (A>G on the coding strand, the complement: LYST is on the minus strand). VCF-style: chr1-235809052-T-C. GRCh37 (hg19) VCF-style: chr1-235972352-T-C.
Other names: c.1766A>G, p.Lys589Arg (NM_001301365.1); short protein forms K589R.
Identifiers: ClinVar variation 874122 (VCV000874122.8), dbSNP rs200812713, ClinGen allele CA1467404.
Genomic context (GRCh38, chr1:235,809,052, plus strand): 5'-TGCTGAAAATTTTTCAGTGCTGGCAATTTAAAAGCATGGAGCAAAGGAATGATTACAGAT[T>C]TGGGATCCATACAACAGCATATTCCAATGTTATGAACACCCGATAGGATCTGGACACAAG-3'
Protein context (NP_000072.2, residues 579-599): NIGICCCMDP[Lys589Arg]SVIIPLLHAF

ClinVar aggregate classification (germline): Uncertain significance. Review status: criteria provided, multiple submitters, no conflicts (2 of 4 stars). 2 submissions from 2 submitters: Uncertain significance (2). Last evaluated 2022-09-29.

Conditions:
Chédiak-Higashi syndrome (CHS). Also called: Chediak-Higashi Syndrome. Identifiers: Orphanet 167, MedGen C0007965, MONDO:0008963, OMIM 214500.

Allele frequency attached by ClinVar (database versions not stated): TOPMed 0.00002; ExAC 0.00003; gnomAD 0.00003; ESP Exome Variant Server 0.00008.
gnomAD v4.1: 118 of 1,613,996 alleles (0.0073%); highest among the groups gnomAD compares: Non-Finnish European, 0.0092%; no homozygotes.

Submissions (2):

Labcorp Genetics (formerly Invitae), Labcorp
Classification: Uncertain significance for Chédiak-Higashi syndrome. Last evaluated: 2022-09-29. Review status: criteria provided, single submitter. Criteria: Invitae Variant Classification Sherloc (09022015). Collection method: clinical testing. Allele origin: germline.
Comment: This sequence change replaces lysine, which is basic and polar, with arginine, which is basic and polar, at codon 589 of the LYST protein (p.Lys589Arg). The frequency data for this variant in the population databases is considered unreliable, as metrics indicate poor data quality at this position in the gnomAD database. This variant has not been reported in the literature in individuals affected with LYST-related conditions. ClinVar contains an entry for this variant (Variation ID: 874122). Advanced modeling of protein sequence and biophysical properties (such as structural, functional, and spatial information, amino acid conservation, physicochemical variation, residue mobility, and thermodynamic stability) performed at Invitae indicates that this missense variant is not expected to disrupt LYST protein function. Algorithms developed to predict the effect of sequence changes on RNA splicing suggest that this variant may create or strengthen a splice site. In summary, the available evidence is currently insufficient to determine the role of this variant in disease. Therefore, it has been classified as a Variant of Uncertain Significance.

Illumina Laboratory Services, Illumina
Classification: Uncertain significance for Chédiak-Higashi syndrome. Last evaluated: 2018-01-13. Review status: criteria provided, single submitter. Criteria: ICSL Variant Classification Criteria 13 December 2019. Collection method: clinical testing. Allele origin: germline.